The following is an entry in ClinVar:

ClinVar aggregate classification (germline): Uncertain significance. Review status: criteria provided, multiple submitters, no conflicts (2 of 4 stars). 7 submissions from 7 submitters: Uncertain significance (6). 1 of the submissions does not count toward it. Last evaluated 2025-12-21.

Conditions:
Cardiovascular phenotype. Identifiers: MedGen CN230736.
ABCG5-related disorder. Also called: ABCG5-related condition.
Sitosterolemia 2. Identifiers: MedGen C5231453, MONDO:0020748, OMIM 618666.
Sitosterolemia (STSL). Also called: PHYTOSTEROLEMIA. Identifiers: Orphanet 2882, MedGen C0342907, MONDO:0008863.

Allele frequency attached by ClinVar (database versions not stated): TOPMed 0.00010; ExAC 0.00013; gnomAD exomes 0.00013 and 0.00012; gnomAD 0.00007; ESP Exome Variant Server 0.00015.
gnomAD v4.1: 179 of 1,613,890 alleles (0.011%); highest among the groups gnomAD compares: South Asian, 0.04%; 1 homozygote.

Submissions (7):

Labcorp Genetics (formerly Invitae), Labcorp
Classification: Uncertain significance for Sitosterolemia. Last evaluated: 2025-12-21. Review status: criteria provided, single submitter. Criteria: Invitae Variant Classification Sherloc (09022015). Collection method: clinical testing. Allele origin: germline.
Comment: This sequence change replaces arginine, which is basic and polar, with histidine, which is basic and polar, at codon 253 of the ABCG5 protein (p.Arg253His). This variant is present in population databases (rs148186696, gnomAD 0.05%). This variant has not been reported in the literature in individuals affected with ABCG5-related conditions. ClinVar contains an entry for this variant (Variation ID: 500978). An algorithm developed to predict the effect of missense changes on protein structure and function (PolyPhen-2) suggests that this variant is likely to be tolerated. In summary, the available evidence is currently insufficient to determine the role of this variant in disease. Therefore, it has been classified as a Variant of Uncertain Significance.

Women's Health and Genetics/Laboratory Corporation of America, LabCorp
Classification: Uncertain significance. Last evaluated: 2025-11-03. Review status: criteria provided, single submitter. Criteria: LabCorp Variant Classification Summary - May 2015. Collection method: clinical testing. Allele origin: germline.
Comment: Variant summary: ABCG5 c.758G>A (p.Arg253His) results in a non-conservative amino acid change in the encoded protein sequence. Algorithms developed to predict the effect of missense changes on protein structure and function are either unavailable or do not agree on the potential impact of this missense change. The variant allele was found at a frequency of 0.00013 in 251462 control chromosomes (gnomAD). This frequency is not significantly higher than estimated for disease-causing variants in ABCG5, allowing no conclusion about variant significance. c.758G>A has been observed in one individual affected with Intrahepatic cholestasis of pregnancy (Liu_2022). The report does not provide unequivocal conclusions about association of the variant with Early Onset Coronary Artery Disease. To our knowledge, no experimental evidence demonstrating an impact on protein function has been reported. The following publication have been ascertained in the context of this evaluation (PMID: 36046230). ClinVar contains an entry for this variant (Variation ID: 500978). Based on the evidence outlined above, the variant was classified as uncertain significance.

Mayo Clinic Laboratories, Mayo Clinic
Classification: Uncertain significance. Last evaluated: 2025-06-23. Review status: criteria provided, single submitter. Criteria: ACMG Guidelines, 2015. Collection method: clinical testing. Allele origin: germline. Observed: 2 variant alleles.

Revvity Omics, Revvity
Classification: Uncertain significance for Sitosterolemia 2. Last evaluated: 2024-07-04. Review status: criteria provided, single submitter. Criteria: ACMG Guidelines, 2015. Collection method: clinical testing. Allele origin: germline.

Ambry Genetics
Classification: Uncertain significance for Cardiovascular phenotype. Last evaluated: 2023-12-07. Review status: criteria provided, single submitter. Criteria: Ambry Variant Classification Scheme 2023. Collection method: clinical testing. Allele origin: germline.
Comment: The p.R253H variant (also known as c.758G>A), located in coding exon 6 of the ABCG5 gene, results from a G to A substitution at nucleotide position 758. The arginine at codon 253 is replaced by histidine, an amino acid with highly similar properties. This amino acid position is highly conserved in available vertebrate species. In addition, the in silico prediction for this alteration is inconclusive. Since supporting evidence is limited at this time, the clinical significance of this alteration remains unclear.

Eurofins Ntd Llc (ga)
Classification: Uncertain significance. Last evaluated: 2017-03-21. Review status: criteria provided, single submitter. Criteria: EGL Classification Definitions 2015. Collection method: clinical testing. Allele origin: germline. Observed: 1 variant allele, 1 heterozygote.

PreventionGenetics, part of Exact Sciences
Classification: Uncertain significance for ABCG5-related condition. Last evaluated: 2023-10-27. Review status: no assertion criteria provided. Collection method: clinical testing. Allele origin: germline. Not counted in ClinVar's aggregate classification.
Comment: The ABCG5 c.758G>A variant is predicted to result in the amino acid substitution p.Arg253His. To our knowledge, this variant has not been reported in the literature. This variant is reported in 0.049% of alleles in individuals of South Asian descent in gnomAD. At this time, the clinical significance of this variant is uncertain due to the absence of conclusive functional and genetic evidence.

Literature cited by the submitters: PubMed 36046230 (cited by Women's Health and Genetics/Laboratory Corporation of America, LabCorp).

NM_022436.3(ABCG5):c.758G>A (p.Arg253His)

Genes: DYNC2LI1 (dynein cytoplasmic 2 light intermediate chain 1; plus strand), ABCG5 (ATP binding cassette subfamily G member 5; minus strand). Cytogenetic location: 2p21.
Variant type: single nucleotide variant.
Coding change: c.758G>A on transcript NM_022436.3 (MANE Select); coding-DNA position 758, G replaced by A.
Protein change: p.Arg253His; replaces arginine 253 with histidine.
Molecular consequence: missense variant. On other transcripts: intron variant (2).
Genome position (GRCh38, 1-based): chr2:43,826,398, C>T on the plus strand (G>A on the coding strand, the complement: ABCG5 is on the minus strand). VCF-style: chr2-43826398-C-T. GRCh37 (hg19) VCF-style: chr2-44053537-C-T.
Other names: c.*16-988C>T (NM_001348913.2, NM_001348912.2); short protein forms R253H.
Identifiers: ClinVar variation 500978 (VCV000500978.19), dbSNP rs148186696, ClinGen allele CA1636539.
Genomic context (GRCh38, chr2:43,826,398, plus strand): 5'-CTCAACACACCATAGACCCGGCCTTTACGAGTTGAACCTCTTACCTGAAAAAGCTCAGAA[C>T]GGGGCTGGTGAATGGTGAGAACCACAATTCGGTTCCTGCGAGCCAGTTCCACCAGGAGGA-3'
Protein context (NP_071881.1, residues 243-263): RIVVLTIHQP[Arg253His]SELFQLFDKI